The following is an entry in ClinVar:

ClinVar aggregate classification (germline): Pathogenic (1 of 4 stars; one submission).

Conditions:
Nemaline myopathy 8 (NEM8). Also called: Nemaline myopathy 8, autosomal recessive. Identifiers: Orphanet 171430, MedGen C3809209, MONDO:0014138, OMIM 615348.

Submission:

Labcorp Genetics (formerly Invitae), Labcorp
Classification: Pathogenic for Nemaline myopathy 8. Last evaluated: 2025-02-20. Review status: criteria provided, single submitter. Criteria: Invitae Variant Classification Sherloc (09022015). Collection method: clinical testing. Allele origin: germline.
Comment: This sequence change creates a premature translational stop signal (p.Lys273Glufs*12) in the KLHL40 gene. It is expected to result in an absent or disrupted protein product. Loss-of-function variants in KLHL40 are known to be pathogenic (PMID: 23746549). This variant is not present in population databases (gnomAD no frequency). This variant has not been reported in the literature in individuals affected with KLHL40-related conditions. For these reasons, this variant has been classified as Pathogenic.

Literature cited by the submitters: PubMed 23746549.

NM_152393.4(KLHL40):c.815dup (p.Lys273fs)

Gene: KLHL40 (kelch like family member 40; plus strand). Cytogenetic location: 3p22.1.
Variant type: Duplication.
Coding change: c.815dup on transcript NM_152393.4 (MANE Select); coding-DNA position 815, one base duplicated (A; older notation c.815dupA).
Protein change: p.Lys273fs; shifts the reading frame from lysine 273.
Molecular consequence: frameshift variant.
Genome position (GRCh38, 1-based): chr3:42,686,433, A duplicated; the last of 5 consecutive A bases (chr3:42,686,429-42,686,433); duplicating any one gives the same sequence. VCF-style (leftmost placement, unchanged base first): chr3-42686428-G-GA. GRCh37 (hg19) VCF-style: chr3-42727920-G-GA.
Other names: short protein forms K273fs.
Identifiers: ClinVar variation 4778318 (VCV004778318.1).